The following is an entry in ClinVar:

ClinVar aggregate classification (germline): Pathogenic (1 of 4 stars; one submission).

Submission:

Labcorp Genetics (formerly Invitae), Labcorp
Classification: Pathogenic. Last evaluated: 2024-12-02. Review status: criteria provided, single submitter. Criteria: Invitae Variant Classification Sherloc (09022015). Collection method: clinical testing. Allele origin: germline.
Comment: This sequence change creates a premature translational stop signal (p.Glu1591Glyfs*6) in the USH2A gene. It is expected to result in an absent or disrupted protein product. Loss-of-function variants in USH2A are known to be pathogenic (PMID: 10729113, 10909849, 20507924, 25649381). This variant is not present in population databases (gnomAD no frequency). This variant has not been reported in the literature in individuals affected with USH2A-related conditions. ClinVar contains an entry for this variant (Variation ID: 1382715). For these reasons, this variant has been classified as Pathogenic.

Literature cited by the submitters: PubMed 10729113; PubMed 10909849; PubMed 20507924; PubMed 25649381.

NM_206933.4(USH2A):c.4769dup (p.Glu1591fs)

Gene: USH2A (usherin; minus strand). Cytogenetic location: 1q41.
Variant type: Duplication.
Coding change: c.4769dup on transcript NM_206933.4 (MANE Select); coding-DNA position 4769, one base duplicated (T; older notation c.4769dupT).
Protein change: p.Glu1591fs; shifts the reading frame from glutamic acid 1591.
Molecular consequence: frameshift variant.
Genome position (GRCh38, 1-based): chr1:216,089,129, A duplicated on the plus strand (T on the coding strand, the reverse complement: USH2A is on the minus strand). VCF-style (leftmost placement, unchanged base first): chr1-216089128-C-CA. GRCh37 (hg19) VCF-style: chr1-216262470-C-CA.
Other names: short protein forms E1591fs.
Identifiers: ClinVar variation 1382715 (VCV001382715.6), dbSNP rs2102565369, ClinGen allele CA2573131627.
Genomic context (GRCh38, chr1:216,089,128, plus strand): 5'-TATTTCATGCCATTTTCCATCACTATATTGTTTGCCATGATCATTAGTTGTAGTTACTTC[C>CA]ACTGGTGACCCCTTAAGGGAATGAATGAATAAATAAATGTTTATACATGCATATCTACAA-3'